The following is an entry in ClinVar:

ClinVar aggregate classification (germline): Likely pathogenic (1 of 4 stars; one submission).

Submission:

GeneDx
Classification: Likely pathogenic. Last evaluated: 2025-04-22. Review status: criteria provided, single submitter. Criteria: GeneDx Variant Classification Process June 2021. Collection method: clinical testing. Allele origin: germline. Affected: yes.
Comment: Identified with a second variant (phase unknown) in a patient with renal glycosuria in published literature (PMID: 37349938); In silico analysis indicates that this missense variant does not alter protein structure/function; Published functional studies demonstrate a damaging effect leading to an impaired ability to uptake glucose (PMID: 34880493); This variant is associated with the following publications: (PMID: 34880493, 37349938)

NM_003041.4(SLC5A2):c.283G>A (p.Val95Ile)

Gene: SLC5A2 (solute carrier family 5 member 2; plus strand). Cytogenetic location: 16p11.2.
Variant type: single nucleotide variant.
Coding change: c.283G>A on transcript NM_003041.4 (MANE Select); coding-DNA position 283, G replaced by A.
Protein change: p.Val95Ile; replaces valine 95 with isoleucine.
Molecular consequence: missense variant. On other transcripts: non-coding transcript variant (1).
Genome position (GRCh38, 1-based): chr16:31,484,903, G>A. VCF-style: chr16-31484903-G-A. GRCh37 (hg19) VCF-style: chr16-31496224-G-A.
Other names: short protein forms V95I.
Identifiers: ClinVar variation 4527042 (VCV004527042.1).